The following is an entry in ClinVar:

ClinVar aggregate classification (germline): Uncertain significance (1 of 4 stars; one submission).

Conditions:
Hereditary cancer-predisposing syndrome. Also called: Neoplastic Syndromes, Hereditary; Tumor predisposition; Hereditary Cancer Syndrome; Hereditary neoplastic syndrome. Identifiers: Orphanet 140162, MedGen C0027672, MeSH D009386, MONDO:0015356.

Submission:

Ambry Genetics
Classification: Uncertain significance for Hereditary cancer-predisposing syndrome. Last evaluated: 2022-07-12. Review status: criteria provided, single submitter. Criteria: Ambry Variant Classification Scheme 2023. Collection method: clinical testing. Allele origin: germline.
Comment: The p.A530E variant (also known as c.1589C>A), located in coding exon 12 of the POT1 gene, results from a C to A substitution at nucleotide position 1589. The alanine at codon 530 is replaced by glutamic acid, an amino acid with dissimilar properties. This amino acid position is highly conserved in available vertebrate species. In addition, the in silico prediction for this alteration is inconclusive. Since supporting evidence is limited at this time, the clinical significance of this alteration remains unclear.

NM_015450.3(POT1):c.1589C>A (p.Ala530Glu)

Gene: POT1 (protection of telomeres 1; minus strand). Cytogenetic location: 7q31.33.
Variant type: single nucleotide variant.
Coding change: c.1589C>A on transcript NM_015450.3 (MANE Select); coding-DNA position 1589, C replaced by A.
Protein change: p.Ala530Glu; replaces alanine 530 with glutamic acid.
Molecular consequence: missense variant. On other transcripts: non-coding transcript variant (2).
Genome position (GRCh38, 1-based): chr7:124,829,259, G>T on the plus strand (C>A on the coding strand, the complement: POT1 is on the minus strand). VCF-style: chr7-124829259-G-T. GRCh37 (hg19) VCF-style: chr7-124469313-G-T.
Other names: c.1196C>A, p.Ala399Glu (NM_001042594.2); short protein forms A399E, A530E.
Identifiers: ClinVar variation 1775859 (VCV001775859.2), dbSNP rs2485352361, ClinGen allele CA369064302.
Genomic context (GRCh38, chr7:124,829,259, plus strand): 5'-GAAATAACCTTGTAAACAAACAGTTAAAATTGCAGGGCATGGAAATTTAGCTAACCTTCT[G>T]CCACAGAAGAAGGAATCCACGATGTTTTATCAACCAGGGAATTTAGATTTTGTATGGATC-3'
Protein context (NP_056265.2, residues 520-540): DKTSWIPSSV[Ala530Glu]EALGIVPLQY